The following is an entry in ClinVar:

NM_022114.4(PRDM16):c.2171C>T (p.Ala724Val)

Gene: PRDM16 (PR/SET domain 16; plus strand). Cytogenetic location: 1p36.32.
Variant type: single nucleotide variant.
Coding change: c.2171C>T on transcript NM_022114.4 (MANE Select); coding-DNA position 2171, C replaced by T.
Protein change: p.Ala724Val; replaces alanine 724 with valine.
Molecular consequence: missense variant.
Genome position (GRCh38, 1-based): chr1:3,412,368, C>T. VCF-style: chr1-3412368-C-T. GRCh37 (hg19) VCF-style: chr1-3328932-C-T.
Other names: c.2171C>T, p.Ala724Val (NM_199454.3); short protein forms A724V.
Identifiers: ClinVar variation 2891338 (VCV002891338.3), dbSNP rs777156928, ClinGen allele CA544406.
Genomic context (GRCh38, chr1:3,412,368, plus strand): 5'-TTGGCCCCGGCTTCATGGGGATGCAGGAGAAGAAGCTGGGCTCGCTCCCCTACCACTCGG[C>T]GTTCCCCTTCCAGTTCCTGCCCAACTTCCCCCACTCCCTTTACCCCTTCACGGACCGAGC-3'
Protein context (NP_071397.3, residues 714-734): KKLGSLPYHS[Ala724Val]FPFQFLPNFP

ClinVar aggregate classification (germline): Uncertain significance (1 of 4 stars; one submission).

Conditions:
Left ventricular noncompaction 8 (LVNC8). Identifiers: Orphanet 154, Orphanet 54260, MedGen C3809288, MONDO:0014152, OMIM 615373.

Allele frequency attached by ClinVar (database versions not stated): gnomAD 0.00001; ExAC 0.00002.
gnomAD v4.1: 14 of 1,613,408 alleles (0.00087%); highest among the groups gnomAD compares: South Asian, 0.0044%; no homozygotes.

Submission:

Labcorp Genetics (formerly Invitae), Labcorp
Classification: Uncertain significance for Left ventricular noncompaction 8. Last evaluated: 2024-01-23. Review status: criteria provided, single submitter. Criteria: Invitae Variant Classification Sherloc (09022015). Collection method: clinical testing. Allele origin: germline.
Comment: This sequence change replaces alanine, which is neutral and non-polar, with valine, which is neutral and non-polar, at codon 724 of the PRDM16 protein (p.Ala724Val). This variant is present in population databases (rs777156928, gnomAD 0.008%). This variant has not been reported in the literature in individuals affected with PRDM16-related conditions. Algorithms developed to predict the effect of missense changes on protein structure and function output the following: SIFT: "Not Available"; PolyPhen-2: "Benign"; Align-GVGD: "Not Available". The valine amino acid residue is found in multiple mammalian species, which suggests that this missense change does not adversely affect protein function. In summary, the available evidence is currently insufficient to determine the role of this variant in disease. Therefore, it has been classified as a Variant of Uncertain Significance.